The following is an entry in ClinVar:

ClinVar aggregate classification (germline): Uncertain significance. Review status: criteria provided, multiple submitters, no conflicts (2 of 4 stars). 2 submissions from 2 submitters: Uncertain significance (2). Last evaluated 2025-08-24.

Conditions:
Nemaline myopathy 10 (NEM10). Identifiers: MedGen C4015360, MONDO:0014513, OMIM 616165.
Inborn genetic diseases. Identifiers: MedGen C0950123, MeSH D030342.

Allele frequency attached by ClinVar (database versions not stated): gnomAD exomes below 0.00001; TOPMed below 0.00001; gnomAD 0.00001.
gnomAD v4.1: 2 of 1,613,540 alleles (0.00012%); highest among the groups gnomAD compares: Admixed American, 0.0033%; no homozygotes.

Submissions (2):

Ambry Genetics
Classification: Uncertain significance for Inborn genetic diseases. Last evaluated: 2025-08-24. Review status: criteria provided, single submitter. Criteria: Ambry Variant Classification Scheme 2023. Collection method: clinical testing. Allele origin: germline.

Labcorp Genetics (formerly Invitae), Labcorp
Classification: Uncertain significance for Nemaline myopathy 10. Last evaluated: 2021-08-31. Review status: criteria provided, single submitter. Criteria: Invitae Variant Classification Sherloc (09022015). Collection method: clinical testing. Allele origin: germline.
Comment: This sequence change replaces methionine with threonine at codon 52 of the LMOD3 protein (p.Met52Thr). The methionine residue is highly conserved and there is a moderate physicochemical difference between methionine and threonine. This variant is not present in population databases (ExAC no frequency). This variant has not been reported in the literature in individuals affected with LMOD3-related conditions. Algorithms developed to predict the effect of missense changes on protein structure and function are either unavailable or do not agree on the potential impact of this missense change (SIFT: "Deleterious"; PolyPhen-2: "Probably Damaging"; Align-GVGD: "Class C0"). In summary, the available evidence is currently insufficient to determine the role of this variant in disease. Therefore, it has been classified as a Variant of Uncertain Significance.

NM_198271.5(LMOD3):c.155T>C (p.Met52Thr)

Genes: LMOD3 (leiomodin 3; minus strand), LOC126806710 (CDK7 strongly-dependent group 2 enhancer GRCh37_chr3:69170601-69171800; plus strand). Cytogenetic location: 3p14.1.
Variant type: single nucleotide variant.
Coding change: c.155T>C on transcript NM_198271.5 (MANE Select); coding-DNA position 155, T replaced by C.
Protein change: p.Met52Thr; replaces methionine 52 with threonine.
Molecular consequence: missense variant.
Genome position (GRCh38, 1-based): chr3:69,122,232, A>G on the plus strand (T>C on the coding strand, the complement: LMOD3 is on the minus strand). VCF-style: chr3-69122232-A-G. GRCh37 (hg19) VCF-style: chr3-69171383-A-G.
Other names: c.155T>C, p.Met52Thr (NM_001304418.3); c.155T>C (NM_198271.3); short protein forms M52T.
Identifiers: ClinVar variation 970526 (VCV000970526.5), dbSNP rs1252489316, ClinGen allele CA353479290.